The following is an entry in ClinVar:

NM_000528.4(MAN2B1):c.94C>A (p.Leu32Ile)

Genes: MAN2B1 (mannosidase alpha class 2B member 1; minus strand), LOC130063650 (ATAC-STARR-seq lymphoblastoid silent region 10156; plus strand). Cytogenetic location: 19p13.13.
Variant type: single nucleotide variant.
Coding change: c.94C>A on transcript NM_000528.4 (MANE Select); coding-DNA position 94, C replaced by A.
Protein change: p.Leu32Ile; replaces leucine 32 with isoleucine.
Molecular consequence: missense variant.
Genome position (GRCh38, 1-based): chr19:12,666,608, G>T on the plus strand (C>A on the coding strand, the complement: MAN2B1 is on the minus strand). VCF-style: chr19-12666608-G-T. GRCh37 (hg19) VCF-style: chr19-12777422-G-T.
Other names: c.94C>A, p.Leu32Ile (NM_001173498.2); short protein forms L32I.
Identifiers: ClinVar variation 843830 (VCV000843830.10), dbSNP rs1471471874, ClinGen allele CA404260684.

ClinVar aggregate classification (germline): Uncertain significance. Review status: criteria provided, single submitter (1 of 4 stars). 2 submissions from 2 submitters: Uncertain significance (1). 1 of the submissions does not count toward it. Last evaluated 2022-07-12.

Conditions:
Deficiency of alpha-mannosidase (MANSA). Also called: Mannosidosis, alpha-, types I and II; LYSOSOMAL ALPHA-D-MANNOSIDASE DEFICIENCY; Alpha-Mannosidosis. Identifiers: Orphanet 61, MedGen C0024748, MONDO:0009561, OMIM 248500.

Allele frequency attached by ClinVar (database versions not stated): gnomAD exomes 0.00001.
gnomAD v4.1: 9 of 1,563,506 alleles (0.00058%); highest among the groups gnomAD compares: South Asian, 0.0082%; no homozygotes.

Submissions (2):

Labcorp Genetics (formerly Invitae), Labcorp
Classification: Uncertain significance for Deficiency of alpha-mannosidase. Last evaluated: 2022-07-12. Review status: criteria provided, single submitter. Criteria: Invitae Variant Classification Sherloc (09022015). Collection method: clinical testing. Allele origin: germline.
Comment: This sequence change replaces leucine, which is neutral and non-polar, with isoleucine, which is neutral and non-polar, at codon 32 of the MAN2B1 protein (p.Leu32Ile). The frequency data for this variant in the population databases is considered unreliable, as metrics indicate poor data quality at this position in the gnomAD database. This variant has not been reported in the literature in individuals affected with MAN2B1-related conditions. ClinVar contains an entry for this variant (Variation ID: 843830). Algorithms developed to predict the effect of missense changes on protein structure and function output the following: SIFT: "Tolerated"; PolyPhen-2: "Benign"; Align-GVGD: "Class C0". The isoleucine amino acid residue is found in multiple mammalian species, which suggests that this missense change does not adversely affect protein function. In summary, the available evidence is currently insufficient to determine the role of this variant in disease. Therefore, it has been classified as a Variant of Uncertain Significance.

Natera, Inc.
Classification: Uncertain significance for Alpha-mannosidosis. Last evaluated: 2021-03-05. Review status: no assertion criteria provided. Collection method: clinical testing. Allele origin: germline. Not counted in ClinVar's aggregate classification.